The following is an entry in ClinVar:

NM_000059.4(BRCA2):c.2312T>C (p.Leu771Ser)

Gene: BRCA2 (BRCA2 DNA repair associated; plus strand). Cytogenetic location: 13q13.1.
Variant type: single nucleotide variant.
Coding change: c.2312T>C on transcript NM_000059.4 (MANE Select); coding-DNA position 2312, T replaced by C.
Protein change: p.Leu771Ser; replaces leucine 771 with serine.
Molecular consequence: missense variant. On other transcripts: non-coding transcript variant (1), intron variant (2).
Genome position (GRCh38, 1-based): chr13:32,336,667, T>C. VCF-style: chr13-32336667-T-C. GRCh37 (hg19) VCF-style: chr13-32910804-T-C.
Other names: c.2312T>C, p.Leu771Ser (NM_001406719.1, NM_001406720.1, NM_001432077.1); c.1909+3280T>C (NM_001406721.1); c.424+5637T>C (NM_001406722.1); short protein forms L771S.
Identifiers: ClinVar variation 4628517 (VCV004628517.1).

ClinVar aggregate classification (germline): Uncertain significance (1 of 4 stars; one submission).

Conditions:
Hereditary cancer-predisposing syndrome. Also called: Neoplastic Syndromes, Hereditary; Tumor predisposition; Hereditary Cancer Syndrome; Hereditary neoplastic syndrome. Identifiers: Orphanet 140162, MedGen C0027672, MeSH D009386, MONDO:0015356.

gnomAD v4.1: 1 of 1,613,982 alleles (0.000062%); highest among the groups gnomAD compares: African/African-American, 0.0013%; no homozygotes.

Submission:

Ambry Genetics
Classification: Uncertain significance for Hereditary cancer-predisposing syndrome. Last evaluated: 2025-09-23. Review status: criteria provided, single submitter. Criteria: Ambry Variant Classification Scheme 2023. Collection method: clinical testing. Allele origin: germline.
Comment: The p.L771S variant (also known as c.2312T>C), located in coding exon 10 of the BRCA2 gene, results from a T to C substitution at nucleotide position 2312. The leucine at codon 771 is replaced by serine, an amino acid with dissimilar properties. This amino acid position is not well conserved in available vertebrate species. In addition, the in silico prediction for this alteration is inconclusive. Based on the available evidence, the clinical significance of this variant remains unclear.